The following is an entry in ClinVar:

NC_000005.10:g.112850823A>T

Variant type: single nucleotide variant.
Genome position: GRCh38 VCF-style: chr5-112850823-A-T. GRCh37 (hg19) VCF-style: chr5-112186520-A-T.
Identifiers: ClinVar variation 82659 (VCV000082659.3), dbSNP rs75078263, ClinGen allele CA250799.

ClinVar aggregate classification (germline): other (0 of 4 stars; one submission).

Conditions:
Familial colorectal cancer. Identifiers: MedGen CN280943, MONDO:0023113. Disease mechanism: loss of function.

Submission:

Systems Biology Platform Zhejiang California International NanoSystems Institute
Classification: other for Familial colorectal cancer. Review status: no assertion criteria provided. Collection method: not provided. Allele origin: unknown.
ClinVar note: Converted during submission from cancer to other.